The following is an entry in ClinVar:

NM_005228.5(EGFR):c.910C>T (p.His304Tyr)

Gene: EGFR (epidermal growth factor receptor; plus strand). Cytogenetic location: 7p11.2.
Variant type: single nucleotide variant.
Coding change: c.910C>T on transcript NM_005228.5 (MANE Select); coding-DNA position 910, C replaced by T.
Protein change: p.His304Tyr; replaces histidine 304 with tyrosine.
Molecular consequence: missense variant.
Genome position (GRCh38, 1-based): chr7:55,155,850, C>T. VCF-style: chr7-55155850-C-T. GRCh37 (hg19) VCF-style: chr7-55223543-C-T.
Other names: c.910C>T, p.His304Tyr (NM_201284.2, NM_001346898.2, NM_201282.2 and 1 more transcripts); c.775C>T, p.His259Tyr (NM_001346897.2, NM_001346899.2); c.751C>T, p.His251Tyr (NM_001346900.2); c.109C>T, p.His37Tyr (NM_001346941.2); short protein forms H259Y, H251Y, H304Y, H37Y.
Identifiers: ClinVar variation 4824463 (VCV004824463.1).

ClinVar aggregate classification (germline): Uncertain significance (1 of 4 stars; one submission).

Conditions:
Hereditary cancer-predisposing syndrome. Also called: Neoplastic Syndromes, Hereditary; Hereditary neoplastic syndrome; Tumor predisposition; Hereditary Cancer Syndrome. Identifiers: Orphanet 140162, MedGen C0027672, MeSH D009386, MONDO:0015356.

Submission:

Ambry Genetics
Classification: Uncertain significance for Hereditary cancer-predisposing syndrome. Last evaluated: 2026-01-21. Review status: criteria provided, single submitter. Criteria: Ambry Variant Classification Scheme 2023. Collection method: clinical testing. Allele origin: germline.
Comment: The p.H304Y variant (also known as c.910C>T), located in coding exon 8 of the EGFR gene, results from a C to T substitution at nucleotide position 910. The histidine at codon 304 is replaced by tyrosine, an amino acid with similar properties. This amino acid position is well conserved in available vertebrate species. In addition, the in silico prediction for this alteration is inconclusive. Based on the available evidence, the clinical significance of this variant remains unclear.